The following is an entry in ClinVar:

ClinVar aggregate classification (germline): Uncertain significance (1 of 4 stars; one submission).

gnomAD v4.1: 5 of 1,593,744 alleles (0.00031%); highest among the groups gnomAD compares: Non-Finnish European, 0.00043%; no homozygotes.

Submission:

GeneDx
Classification: Uncertain significance. Last evaluated: 2024-06-12. Review status: criteria provided, single submitter. Criteria: GeneDx Variant Classification Process June 2021. Collection method: clinical testing. Allele origin: germline. Affected: yes.
Comment: Not observed at significant frequency in large population cohorts (gnomAD); In silico analysis supports that this missense variant has a deleterious effect on protein structure/function; Has not been previously published as pathogenic or benign to our knowledge

NM_001042545.2(LTBP4):c.3794C>T (p.Ser1265Leu)

Gene: LTBP4 (latent transforming growth factor beta binding protein 4; plus strand). Cytogenetic location: 19q13.2.
Variant type: single nucleotide variant.
Coding change: c.3794C>T on transcript NM_001042545.2 (MANE Select); coding-DNA position 3794, C replaced by T.
Protein change: p.Ser1265Leu; replaces serine 1265 with leucine.
Molecular consequence: missense variant.
Genome position (GRCh38, 1-based): chr19:40,624,044, C>T. VCF-style: chr19-40624044-C-T. GRCh37 (hg19) VCF-style: chr19-41129949-C-T.
Other names: c.3995C>T, p.Ser1332Leu (NM_001042544.1); c.3884C>T, p.Ser1295Leu (NM_003573.2); short protein forms S1265L, S1295L, S1332L.
Identifiers: ClinVar variation 3390398 (VCV003390398.1).
Genomic context (GRCh38, chr19:40,624,044, plus strand): 5'-GTGTCAACACTGTGGGCTCTTATCACTGTACCTGCGAGCCCCCACTGGTGCTGGATGGCT[C>T]GCAGCGCCGCTGCGTCTCCAACGAGAGCCAGAGCCTCGGTAACCCCGCCCACGCCATCCA-3'
Protein context (NP_001036010.1, residues 1255-1275): TCEPPLVLDG[Ser1265Leu]QRRCVSNESQ